The following is an entry in ClinVar:

NM_001267550.2(TTN):c.36280+1G>A

Gene: TTN (titin; minus strand). Cytogenetic location: 2q31.2.
Variant type: single nucleotide variant.
Coding change: c.36280+1G>A on transcript NM_001267550.2 (MANE Select); the canonical splice donor site of the intron after coding-DNA position 36280, G replaced by A.
Molecular consequence: splice donor variant. On other transcripts: intron variant (5).
Genome position (GRCh38, 1-based): chr2:178,664,459, C>T on the plus strand (G>A on the coding strand, the complement: TTN is on the minus strand). VCF-style: chr2-178664459-C-T. GRCh37 (hg19) VCF-style: chr2-179529186-C-T.
Other names: c.13283-22142G>A (NM_003319.4); c.13859-22142G>A (NM_133437.4); c.13658-22142G>A (NM_133432.3); c.31484-1404G>A (NM_133378.4); c.34265-1404G>A (NM_001256850.1).
Identifiers: ClinVar variation 3755663 (VCV003755663.2).

ClinVar aggregate classification (germline): Likely pathogenic (1 of 4 stars; one submission).

Conditions:
Dilated cardiomyopathy 1G (CMD1G). Identifiers: Orphanet 154, MedGen C1858763, MONDO:0011400, OMIM 604145.
Autosomal recessive limb-girdle muscular dystrophy type 2J (LGMDR10). Also called: Limb-girdle muscular dystrophy, type 2J; MUSCULAR DYSTROPHY, LIMB-GIRDLE, AUTOSOMAL RECESSIVE 10. Identifiers: Orphanet 140922, MedGen C1837342, MONDO:0012127, OMIM 608807.

gnomAD v4.1: 3 of 1,609,052 alleles (0.00019%); highest among the groups gnomAD compares: South Asian, 0.0022%; no homozygotes.

Submission:

Labcorp Genetics (formerly Invitae), Labcorp
Classification: Likely pathogenic for Dilated cardiomyopathy 1G; Autosomal recessive limb-girdle muscular dystrophy type 2J. Last evaluated: 2024-04-03. Review status: criteria provided, single submitter. Criteria: Invitae Variant Classification Sherloc (09022015). Collection method: clinical testing. Allele origin: germline.
Comment: This sequence change affects a donor splice site in intron 168 of the TTN gene. It is expected to disrupt RNA splicing and likely results in a truncated or disrupted TTN protein. This variant is present in population databases (no rsID available, gnomAD 0.001%). This variant has not been reported in the literature in individuals affected with TTN-related conditions. Algorithms developed to predict the effect of sequence changes on RNA splicing suggest that this variant may disrupt the consensus splice site. This variant is located in the I band of TTN (PMID: 25589632). Truncating variants in this region have been reported in individuals affected with autosomal recessive centronuclear myopathy (PMID: 23975875, Invitae internal data). Truncating variants in this region have also been identified in individuals affected with autosomal dominant dilated cardiomyopathy and/or cardio-related conditions (PMID: 27869827, 32964742, Invitae internal data). In summary, the currently available evidence indicates that the variant is pathogenic, but additional data are needed to prove that conclusively. Therefore, this variant has been classified as Likely Pathogenic.

Literature cited by the submitters: PubMed 25589632; PubMed 23975875; PubMed 27869827; PubMed 32964742.